The following is an entry in ClinVar:

NM_000094.4(COL7A1):c.4980+1G>T

Gene: COL7A1 (collagen type VII alpha 1 chain; minus strand). Cytogenetic location: 3p21.31.
Variant type: single nucleotide variant.
Coding change: c.4980+1G>T on transcript NM_000094.4 (MANE Select); the canonical splice donor site of the intron after coding-DNA position 4980, G replaced by T.
Molecular consequence: splice donor variant.
Genome position (GRCh38, 1-based): chr3:48,580,881, C>A on the plus strand (G>T on the coding strand, the complement: COL7A1 is on the minus strand). VCF-style: chr3-48580881-C-A. GRCh37 (hg19) VCF-style: chr3-48618314-C-A.
Identifiers: ClinVar variation 1073112 (VCV001073112.5), dbSNP rs730880285, ClinGen allele CA352680370.
Genomic context (GRCh38, chr3:48,580,881, plus strand): 5'-TTCCTATCACCTTCATGCCCACCTCCCATCACCCCTGTTACTTCTCTCTGCCAAGACTCA[C>A]CCGAAGGCCACGCTCGCCTGCTTTTCCAGGCAAACCCGGGTCACCCTGGTGATAGAGAGA-3'

ClinVar aggregate classification (germline): Pathogenic (1 of 4 stars; one submission).

Allele frequency attached by ClinVar (database versions not stated): gnomAD exomes below 0.00001.
gnomAD v4.1: 1 of 1,614,130 alleles (0.000062%); highest among the groups gnomAD compares: Non-Finnish European, 0.000085%; no homozygotes.

Submission:

Labcorp Genetics (formerly Invitae), Labcorp
Classification: Pathogenic. Last evaluated: 2020-06-24. Review status: criteria provided, single submitter. Criteria: Invitae Variant Classification Sherloc (09022015). Collection method: clinical testing. Allele origin: germline.
Comment: Donor and acceptor splice site variants typically lead to a loss of protein function (PMID: 16199547), and loss-of-function variants in COL7A1 are known to be pathogenic (PMID: 16971478). For these reasons, this variant has been classified as Pathogenic. Algorithms developed to predict the effect of sequence changes on RNA splicing suggest that this variant may disrupt the consensus splice site, but this prediction has not been confirmed by published transcriptional studies. Disruption of this splice site has been observed in individual(s) with dystrophic epidermolysis bullosa (PMID: 10504458, 28830826). This variant is not present in population databases (ExAC no frequency). This sequence change affects a donor splice site in intron 53 of the COL7A1 gene. It is expected to disrupt RNA splicing and likely results in an absent or disrupted protein product.

Literature cited by the submitters: PubMed 16199547; PubMed 16971478; PubMed 10504458; PubMed 28830826.